The following is an entry in ClinVar:

NM_007373.4(SHOC2):c.1161+6C>T

Gene: SHOC2 (SHOC2 leucine rich repeat scaffold protein; plus strand). Cytogenetic location: 10q25.2.
Variant type: single nucleotide variant.
Coding change: c.1161+6C>T on transcript NM_007373.4 (MANE Select); 6 bases into the intron after coding-DNA position 1161, C replaced by T.
Molecular consequence: intron variant.
Genome position (GRCh38, 1-based): chr10:111,004,800, C>T. VCF-style: chr10-111004800-C-T. GRCh37 (hg19) VCF-style: chr10-112764558-C-T.
Other names: c.1161+6C>T (NM_001324336.2, NM_001324337.2); c.1023+6C>T (NM_001269039.3).
Identifiers: ClinVar variation 2070483 (VCV002070483.4), dbSNP rs2493945930, ClinGen allele CA2580082354.

ClinVar aggregate classification (germline): Uncertain significance (1 of 4 stars; one submission).

Conditions:
RASopathy. Also called: rasopathies; Noonan spectrum disorder. Identifiers: Orphanet 536391, MedGen C5555857, MONDO:0021060.

Submission:

Labcorp Genetics (formerly Invitae), Labcorp
Classification: Uncertain significance for RASopathy. Last evaluated: 2022-01-02. Review status: criteria provided, single submitter. Criteria: Invitae Variant Classification Sherloc (09022015). Collection method: clinical testing. Allele origin: germline.
Comment: This sequence change falls in intron 5 of the SHOC2 gene. It does not directly change the encoded amino acid sequence of the SHOC2 protein. It affects a nucleotide within the consensus splice site. In summary, the available evidence is currently insufficient to determine the role of this variant in disease. Therefore, it has been classified as a Variant of Uncertain Significance. Variants that disrupt the consensus splice site are a relatively common cause of aberrant splicing (PMID: 17576681, 9536098). Algorithms developed to predict the effect of sequence changes on RNA splicing suggest that this variant is not likely to affect RNA splicing. This variant has not been reported in the literature in individuals affected with SHOC2-related conditions. This variant is not present in population databases (gnomAD no frequency).

Literature cited by the submitters: PubMed 17576681; PubMed 9536098.